The following is an entry in ClinVar:

NM_018975.4(TERF2IP):c.1100A>T (p.Asp367Val)

Gene: TERF2IP (TERF2 interacting protein; plus strand). Cytogenetic location: 16q23.1.
Variant type: single nucleotide variant.
Coding change: c.1100A>T on transcript NM_018975.4 (MANE Select); coding-DNA position 1100, A replaced by T.
Protein change: p.Asp367Val; replaces aspartic acid 367 with valine.
Molecular consequence: missense variant. On other transcripts: non-coding transcript variant (1).
Genome position (GRCh38, 1-based): chr16:75,656,511, A>T. VCF-style: chr16-75656511-A-T. GRCh37 (hg19) VCF-style: chr16-75690409-A-T.
Other names: short protein forms D367V.
Identifiers: ClinVar variation 1792273 (VCV001792273.3), dbSNP rs145536825, ClinGen allele CA284340227.

ClinVar aggregate classification (germline): Uncertain significance (1 of 4 stars; one submission).

Allele frequency attached by ClinVar (database versions not stated): gnomAD 0.00002; TOPMed 0.00004; ESP Exome Variant Server 0.00008.

Submission:

Ambry Genetics
Classification: Uncertain significance. Last evaluated: 2024-05-13. Review status: criteria provided, single submitter. Criteria: Ambry Variant Classification Scheme 2023. Collection method: clinical testing. Allele origin: germline.
Comment: The p.D367V variant (also known as c.1100A>T), located in coding exon 3 of the TERF2IP gene, results from an A to T substitution at nucleotide position 1100. The aspartic acid at codon 367 is replaced by valine, an amino acid with highly dissimilar properties. This amino acid position is conserved. In addition, this alteration is predicted to be deleterious by in silico analysis. Since supporting evidence is limited at this time, the clinical significance of this alteration remains unclear.